The following is an entry in ClinVar:

NM_052963.3(TOP1MT):c.76C>T (p.Arg26Trp)

Gene: TOP1MT (DNA topoisomerase I mitochondrial; minus strand). Cytogenetic location: 8q24.3.
Variant type: single nucleotide variant.
Coding change: c.76C>T on transcript NM_052963.3 (MANE Select); coding-DNA position 76, C replaced by T.
Protein change: p.Arg26Trp; replaces arginine 26 with tryptophan.
Molecular consequence: missense variant. On other transcripts: intron variant (2).
Genome position (GRCh38, 1-based): chr8:143,334,786, G>A on the plus strand (C>T on the coding strand, the complement: TOP1MT is on the minus strand). VCF-style: chr8-143334786-G-A. GRCh37 (hg19) VCF-style: chr8-144416956-G-A.
Other names: c.-172-3447C>T (NM_001258447.1, NM_001258446.1); short protein forms R26W.
Identifiers: ClinVar variation 4743755 (VCV004743755.1).

ClinVar aggregate classification (germline): Uncertain significance (1 of 4 stars; one submission).

gnomAD v4.1: 106 of 1,588,562 alleles (0.0067%); highest among the groups gnomAD compares: Non-Finnish European, 0.0084%; no homozygotes.

Submission:

Labcorp Genetics (formerly Invitae), Labcorp
Classification: Uncertain significance. Last evaluated: 2025-06-15. Review status: criteria provided, single submitter. Criteria: Invitae Variant Classification Sherloc (09022015). Collection method: clinical testing. Allele origin: germline.
Comment: This sequence change replaces arginine, which is basic and polar, with tryptophan, which is neutral and slightly polar, at codon 26 of the TOP1MT protein (p.Arg26Trp). This variant is present in population databases (rs377607364, gnomAD 0.007%). This variant has not been reported in the literature in individuals affected with TOP1MT-related conditions. Invitae Evidence Modeling of protein sequence and biophysical properties (such as structural, functional, and spatial information, amino acid conservation, physicochemical variation, residue mobility, and thermodynamic stability) has been performed for this missense variant. However, the output from this modeling did not meet the statistical confidence thresholds required to predict the impact of this variant on TOP1MT protein function. In summary, the available evidence is currently insufficient to determine the role of this variant in disease. Therefore, it has been classified as a Variant of Uncertain Significance.